The following is an entry in ClinVar:

NM_018975.4(TERF2IP):c.1053G>A (p.Ala351=)

Gene: TERF2IP (TERF2 interacting protein; plus strand). Cytogenetic location: 16q23.1.
Variant type: single nucleotide variant.
Coding change: c.1053G>A on transcript NM_018975.4 (MANE Select); coding-DNA position 1053, G replaced by A.
Protein change: p.Ala351=; no amino-acid change (alanine 351 retained).
Molecular consequence: synonymous variant. On other transcripts: non-coding transcript variant (1).
Genome position (GRCh38, 1-based): chr16:75,656,464, G>A. VCF-style: chr16-75656464-G-A. GRCh37 (hg19) VCF-style: chr16-75690362-G-A.
Identifiers: ClinVar variation 1777883 (VCV001777883.16), dbSNP rs200023051, ClinGen allele CA8178153.

ClinVar aggregate classification (germline): Likely benign. Review status: criteria provided, multiple submitters, no conflicts (2 of 4 stars). 4 submissions from 4 submitters: Likely benign (4). Last evaluated 2025-12-03.

Allele frequency attached by ClinVar (database versions not stated): ESP Exome Variant Server 0.00008; 1000 Genomes Project 30x 0.00016; 1000 Genomes Project 0.00020.
gnomAD v4.1: 55 of 1,614,184 alleles (0.0034%); highest among the groups gnomAD compares: East Asian, 0.016%; no homozygotes.

Submissions (4):

Labcorp Genetics (formerly Invitae), Labcorp
Classification: Likely benign. Last evaluated: 2025-12-03. Review status: criteria provided, single submitter. Criteria: Invitae Variant Classification Sherloc (09022015). Collection method: clinical testing. Allele origin: germline.

CeGaT Center for Human Genetics Tuebingen
Classification: Likely benign. Last evaluated: 2025-05-01. Review status: criteria provided, single submitter. Criteria: CeGaT Center For Human Genetics Tuebingen Variant Classification Criteria Version 2. Collection method: clinical testing. Allele origin: germline. Affected: yes. Observed: 1 variant allele.
Comment: TERF2IP: BP4, BP7

Center for Genomic Medicine, Rigshospitalet, Copenhagen University Hospital
Classification: Likely benign. Last evaluated: 2025-03-04. Review status: criteria provided, single submitter. Criteria: ACMG Guidelines, 2015. Collection method: clinical testing. Allele origin: germline.

Ambry Genetics
Classification: Likely benign. Last evaluated: 2022-02-12. Review status: criteria provided, single submitter. Criteria: Ambry Variant Classification Scheme 2023. Collection method: clinical testing. Allele origin: germline.